The following is an entry in ClinVar:

NM_000038.6(APC):c.2040A>G (p.Ala680=)

Gene: APC (APC regulator of Wnt signaling pathway; plus strand). Cytogenetic location: 5q22.2.
Variant type: single nucleotide variant.
Coding change: c.2040A>G on transcript NM_000038.6 (MANE Select); coding-DNA position 2040, A replaced by G.
Protein change: p.Ala680=; no amino-acid change (alanine 680 retained).
Molecular consequence: synonymous variant.
Genome position (GRCh38, 1-based): chr5:112,837,634, A>G. VCF-style: chr5-112837634-A-G. GRCh37 (hg19) VCF-style: chr5-112173331-A-G.
Other names: c.2040A>G, p.Ala680= (NM_001127510.3, NM_001354895.2); c.1986A>G, p.Ala662= (NM_001127511.3); c.2094A>G, p.Ala698= (NM_001354896.2); c.2070A>G, p.Ala690= (NM_001354897.2); c.1965A>G, p.Ala655= (NM_001354898.2); c.1956A>G, p.Ala652= (NM_001354899.2); c.1917A>G, p.Ala639= (NM_001354900.2); c.1863A>G, p.Ala621= (NM_001354901.2); and 5 more.
Identifiers: ClinVar variation 469729 (VCV000469729.12), dbSNP rs1276616448, ClinGen allele CA445963352.

ClinVar aggregate classification (germline): Benign/Likely benign. Review status: criteria provided, multiple submitters, no conflicts (2 of 4 stars). 3 submissions from 3 submitters: Benign (1); Likely benign (2). Last evaluated 2024-03-08.

Conditions:
Familial adenomatous polyposis 1 (FAP1). Also called: POLYPOSIS, ADENOMATOUS INTESTINAL; FAMILIAL ADENOMATOUS POLYPOSIS 1, ATTENUATED. Identifiers: MedGen C2713442, MONDO:0021056, OMIM 175100. Disease mechanism: loss of function.
Hereditary cancer-predisposing syndrome. Also called: Hereditary neoplastic syndrome; Neoplastic Syndromes, Hereditary; Tumor predisposition; Hereditary Cancer Syndrome. Identifiers: Orphanet 140162, MedGen C0027672, MeSH D009386, MONDO:0015356.

Allele frequency attached by ClinVar (database versions not stated): gnomAD exomes below 0.00001; TOPMed 0.00001.

Submissions (3):

Myriad Genetics, Inc.
Classification: Benign for Familial adenomatous polyposis 1. Last evaluated: 2024-03-08. Review status: criteria provided, single submitter. Criteria: Myriad Autosomal Dominant, Autosomal Recessive and X-Linked Classification Criteria (2023). Collection method: clinical testing. Allele origin: unknown.
Comment: This variant is considered benign. This variant is a silent/synonymous amino acid change and it is not expected to impact splicing.

Labcorp Genetics (formerly Invitae), Labcorp
Classification: Likely benign for Familial adenomatous polyposis 1. Last evaluated: 2023-08-16. Review status: criteria provided, single submitter. Criteria: Invitae Variant Classification Sherloc (09022015). Collection method: clinical testing. Allele origin: germline.

Ambry Genetics
Classification: Likely benign for Hereditary cancer-predisposing syndrome. Last evaluated: 2023-03-22. Review status: criteria provided, single submitter. Criteria: Ambry Variant Classification Scheme 2023. Collection method: clinical testing. Allele origin: germline.